The following is an entry in ClinVar:

NM_000051.4(ATM):c.1588T>A (p.Ser530Thr)

Gene: ATM (ATM serine/threonine kinase; plus strand). Cytogenetic location: 11q22.3.
Variant type: single nucleotide variant.
Coding change: c.1588T>A on transcript NM_000051.4 (MANE Select); coding-DNA position 1588, T replaced by A.
Protein change: p.Ser530Thr; replaces serine 530 with threonine.
Molecular consequence: missense variant.
Genome position (GRCh38, 1-based): chr11:108,251,053, T>A. VCF-style: chr11-108251053-T-A. GRCh37 (hg19) VCF-style: chr11-108121780-T-A.
Other names: c.1588T>A, p.Ser530Thr (NM_001351834.2); short protein forms S530T.
Identifiers: ClinVar variation 3639830 (VCV003639830.2).
Genomic context (GRCh38, chr11:108,251,053, plus strand): 5'-GCCATAATTCAGGGTAGTTTAGTTGAGGTTGACAGAGAATTCTGGAAGTTATTTACTGGG[T>A]CAGCCTGCAGACCTTCATGGTAAGTTCAGCATGCATTATGTCTGACTTACAGATAAACAC-3'
Protein context (NP_000042.3, residues 520-540): DREFWKLFTG[Ser530Thr]ACRPSCPAVC

ClinVar aggregate classification (germline): Uncertain significance (1 of 4 stars; one submission).

Conditions:
Ataxia-telangiectasia syndrome (AT). Also called: ATAXIA-TELANGIECTASIA, COMPLEMENTATION GROUP A; ATAXIA-TELANGIECTASIA, FRESNO VARIANT; LOUIS-BAR SYNDROME; Cerebello-oculocutaneous telangiectasia; Immunodeficiency with ataxia telangiectasia; Ataxia-telangiectasia, complementation group E. Identifiers: Orphanet 100, MedGen C0004135, MONDO:0008840, OMIM 208900.

Submission:

Labcorp Genetics (formerly Invitae), Labcorp
Classification: Uncertain significance for Ataxia-telangiectasia syndrome. Last evaluated: 2024-02-09. Review status: criteria provided, single submitter. Criteria: Invitae Variant Classification Sherloc (09022015). Collection method: clinical testing. Allele origin: germline.
Comment: This sequence change replaces serine, which is neutral and polar, with threonine, which is neutral and polar, at codon 530 of the ATM protein (p.Ser530Thr). This variant is not present in population databases (gnomAD no frequency). This variant has not been reported in the literature in individuals affected with ATM-related conditions. An algorithm developed to predict the effect of missense changes on protein structure and function (PolyPhen-2) suggests that this variant is likely to be tolerated. In summary, the available evidence is currently insufficient to determine the role of this variant in disease. Therefore, it has been classified as a Variant of Uncertain Significance.